The following is an entry in ClinVar:

NM_001197104.2(KMT2A):c.1589G>T (p.Arg530Met)

Gene: KMT2A (lysine methyltransferase 2A; plus strand). Cytogenetic location: 11q23.3.
Variant type: single nucleotide variant.
Coding change: c.1589G>T on transcript NM_001197104.2 (MANE Select); coding-DNA position 1589, G replaced by T.
Protein change: p.Arg530Met; replaces arginine 530 with methionine.
Molecular consequence: missense variant.
Genome position (GRCh38, 1-based): chr11:118,472,748, G>T. VCF-style: chr11-118472748-G-T. GRCh37 (hg19) VCF-style: chr11-118343463-G-T.
Other names: c.1688G>T, p.Arg563Met (NM_001412597.1); c.1589G>T, p.Arg530Met (NM_005933.4); short protein forms R563M, R530M.
Identifiers: ClinVar variation 2246811 (VCV002246811.17), dbSNP rs1555036085, ClinGen allele CA382810437.

ClinVar aggregate classification (germline): Conflicting classifications of pathogenicity. Review status: criteria provided, conflicting classifications (1 of 4 stars). 4 submissions from 4 submitters: Uncertain significance (3); Likely benign (1). Last evaluated 2026-01-04.

Conditions:
Inborn genetic diseases. Identifiers: MedGen C0950123, MeSH D030342.

Allele frequency attached by ClinVar (database versions not stated): gnomAD exomes below 0.00001.
gnomAD v4.1: 3 of 1,613,620 alleles (0.00019%); highest among the groups gnomAD compares: Non-Finnish European, 0.00025%; no homozygotes.

Submissions (4):

Labcorp Genetics (formerly Invitae), Labcorp
Classification: Uncertain significance. Last evaluated: 2026-01-04. Review status: criteria provided, single submitter. Criteria: Invitae Variant Classification Sherloc (09022015). Collection method: clinical testing. Allele origin: germline.
Comment: This sequence change replaces arginine, which is basic and polar, with methionine, which is neutral and non-polar, at codon 530 of the KMT2A protein (p.Arg530Met). This variant is present in population databases (no rsID available, gnomAD 0.0009%). This variant has not been reported in the literature in individuals affected with KMT2A-related conditions. ClinVar contains an entry for this variant (Variation ID: 2246811). Invitae Evidence Modeling of protein sequence and biophysical properties (such as structural, functional, and spatial information, amino acid conservation, physicochemical variation, residue mobility, and thermodynamic stability) has been performed for this missense variant. However, the output from this modeling did not meet the statistical confidence thresholds required to predict the impact of this variant on KMT2A protein function. In summary, the available evidence is currently insufficient to determine the role of this variant in disease. Therefore, it has been classified as a Variant of Uncertain Significance.

CeGaT Center for Human Genetics Tuebingen
Classification: Likely benign. Last evaluated: 2025-01-01. Review status: criteria provided, single submitter. Criteria: CeGaT Center For Human Genetics Tuebingen Variant Classification Criteria Version 2. Collection method: clinical testing. Allele origin: germline. Affected: yes. Observed: 1 variant allele.
Comment: KMT2A: BS2

Ambry Genetics
Classification: Uncertain significance for Inborn genetic diseases. Last evaluated: 2021-08-23. Review status: criteria provided, single submitter. Criteria: Ambry Variant Classification Scheme 2023. Collection method: clinical testing. Allele origin: germline.

Blueprint Genetics
Classification: Uncertain significance. Last evaluated: 2020-08-08. Review status: criteria provided, single submitter. Criteria: ACMG Guidelines, 2015. Collection method: clinical testing. Allele origin: germline.